The following is an entry in ClinVar:

NM_016123.4(IRAK4):c.951C>G (p.Ile317Met)

Gene: IRAK4 (interleukin 1 receptor associated kinase 4; plus strand). Cytogenetic location: 12q12.
Variant type: single nucleotide variant.
Coding change: c.951C>G on transcript NM_016123.4 (MANE Select); coding-DNA position 951, C replaced by G.
Protein change: p.Ile317Met; replaces isoleucine 317 with methionine.
Molecular consequence: missense variant.
Genome position (GRCh38, 1-based): chr12:43,782,316, C>G. VCF-style: chr12-43782316-C-G. GRCh37 (hg19) VCF-style: chr12-44176119-C-G.
Other names: c.951C>G, p.Ile317Met (NM_001114182.3, NM_001351345.2); c.579C>G, p.Ile193Met (NM_001145256.2, NM_001145257.2, NM_001145258.2 and 5 more transcripts); c.342C>G, p.Ile114Met (NM_001351343.2, NM_001351344.2); short protein forms I317M, I114M, I193M.
Identifiers: ClinVar variation 2079759 (VCV002079759.4), dbSNP rs2540480430, ClinGen allele CA384476780.
Genomic context (GRCh38, chr12:43,782,316, plus strand): 5'-TTTTTGGGGTGGGAAAAACATTTTTTTCTTCAAACTTTACATTTTTTTCAGTGCAAATAT[C>G]TTACTGGATGAAGCTTTTACTGCTAAAATATCTGACTTTGGCCTTGCACGGGCTTCTGAG-3'
Protein context (NP_057207.2, residues 307-327): HIHRDIKSAN[Ile317Met]LLDEAFTAKI

ClinVar aggregate classification (germline): Uncertain significance (1 of 4 stars; one submission).

Conditions:
Immunodeficiency 67. Also called: Immunodeficiency due to interleukin-1 receptor-associated kinase-4 deficiency. Identifiers: Orphanet 70592, MedGen C1843256, MONDO:0011888, OMIM 607676.

Submission:

Labcorp Genetics (formerly Invitae), Labcorp
Classification: Uncertain significance for Immunodeficiency 67. Last evaluated: 2022-08-19. Review status: criteria provided, single submitter. Criteria: Invitae Variant Classification Sherloc (09022015). Collection method: clinical testing. Allele origin: germline.
Comment: In summary, the available evidence is currently insufficient to determine the role of this variant in disease. Therefore, it has been classified as a Variant of Uncertain Significance. Advanced modeling of protein sequence and biophysical properties (such as structural, functional, and spatial information, amino acid conservation, physicochemical variation, residue mobility, and thermodynamic stability) performed at Invitae indicates that this missense variant is expected to disrupt IRAK4 protein function. This variant has not been reported in the literature in individuals affected with IRAK4-related conditions. This variant is not present in population databases (gnomAD no frequency). This sequence change replaces isoleucine, which is neutral and non-polar, with methionine, which is neutral and non-polar, at codon 317 of the IRAK4 protein (p.Ile317Met).